The following is an entry in ClinVar:

ClinVar aggregate classification (germline): Uncertain significance. Review status: criteria provided, multiple submitters, no conflicts (2 of 4 stars). 3 submissions from 3 submitters: Uncertain significance (2). 1 of the submissions does not count toward it. Last evaluated 2025-11-03.

Conditions:
KCNH2-related disorder. Also called: KCNH2-related disorders; KCNH2-related condition.
Familial long QT syndrome (RWS). Also called: Congenital long QT syndrome; Romano-Ward syndrome; VENTRICULAR FIBRILLATION WITH PROLONGED QT INTERVAL. Identifiers: Orphanet 768, MedGen C1141890, MONDO:0019171.
Long QT syndrome (LQTS). Identifiers: MedGen C0023976, MeSH D008133, MONDO:0002442. Disease mechanism: loss of function. Inheritance: Various modes of inheritance.

Allele frequency attached by ClinVar (database versions not stated): gnomAD exomes below 0.00001.
gnomAD v4.1: 2 of 1,614,242 alleles (0.00012%); highest among the groups gnomAD compares: South Asian, 0.0011%; no homozygotes.

Submissions (3):

Labcorp Genetics (formerly Invitae), Labcorp
Classification: Uncertain significance for Long QT syndrome. Last evaluated: 2025-11-03. Review status: criteria provided, single submitter. Criteria: Invitae Variant Classification Sherloc (09022015). Collection method: clinical testing. Allele origin: germline.
Comment: This sequence change replaces arginine, which is basic and polar, with cysteine, which is neutral and slightly polar, at codon 696 of the KCNH2 protein (p.Arg696Cys). This variant is not present in population databases (gnomAD no frequency). This missense change has been observed in individuals with long QT syndrome (PMID: 16922724, 17275752, 30036649). ClinVar contains an entry for this variant (Variation ID: 67360). An algorithm developed to predict the effect of missense changes on protein structure and function (PolyPhen-2) suggests that this variant is likely to be disruptive. Experimental studies have shown that this missense change affects KCNH2 function (PMID: 17275752, 25417810). In summary, the available evidence is currently insufficient to determine the role of this variant in disease. Therefore, it has been classified as a Variant of Uncertain Significance.

PreventionGenetics, part of Exact Sciences
Classification: Uncertain significance for KCNH2-related condition. Last evaluated: 2025-07-07. Review status: criteria provided, single submitter. Criteria: ACMG Guidelines, 2015. Collection method: clinical testing. Allele origin: germline.
Comment: The KCNH2 c.2086C>T variant is predicted to result in the amino acid substitution p.Arg696Cys. This variant has been reported in an individual with Torsades de Pointes (Millat et al. 2006. PubMed ID: 16922724), in an individual with long QT syndrome (Saprungruang et al. 2018. PubMed ID: 30036649), and in the homozygous state in another individual with Torsades de Pointes (Chevalier et al. 2006. PubMed ID: 17275752). In vitro experimental studies suggest that this variant impacts protein function (Chevalier et al. 2006. PubMed ID: 17275752; Anderson et al. 2014. PubMed ID: 25417810). This variant has not been reported in a large population database (gnomAD), indicating this variant is rare. Although we suspect this variant may be pathogenic, at this time, the clinical significance of this variant is uncertain due to the absence of conclusive functional and genetic evidence.

Cardiovascular Biomedical Research Unit, Royal Brompton & Harefield NHS Foundation Trust
No classification provided. Condition: Familial long QT syndrome. Review status: no classification provided. Collection method: literature only. Allele origin: germline. Not counted in ClinVar's aggregate classification.
Comment: This variant has been reported as associated with Long QT syndrome in the following publications (PMID:16922724;PMID:17275752). This is a literature report, and does not necessarily reflect the clinical interpretation of the Imperial College / Royal Brompton Cardiovascular Genetics laboratory.

Literature cited by the submitters: PubMed 16922724 (cited by Labcorp Genetics (formerly Invitae), Labcorp and Cardiovascular Biomedical Research Unit, Royal Brompton & Harefield NHS Foundation Trust); PubMed 17275752 (cited by Labcorp Genetics (formerly Invitae), Labcorp and Cardiovascular Biomedical Research Unit, Royal Brompton & Harefield NHS Foundation Trust); PubMed 30036649 (cited by Labcorp Genetics (formerly Invitae), Labcorp); PubMed 25417810 (cited by Labcorp Genetics (formerly Invitae), Labcorp); PubMed 22581653 (cited by Cardiovascular Biomedical Research Unit, Royal Brompton & Harefield NHS Foundation Trust).

NM_000238.4(KCNH2):c.2086C>T (p.Arg696Cys)

Gene: KCNH2 (potassium voltage-gated channel subfamily H member 2; minus strand). Cytogenetic location: 7q36.1.
Variant type: single nucleotide variant.
Coding change: c.2086C>T on transcript NM_000238.4 (MANE Select); coding-DNA position 2086, C replaced by T.
Protein change: p.Arg696Cys; replaces arginine 696 with cysteine.
Molecular consequence: missense variant.
Genome position (GRCh38, 1-based): chr7:150,950,980, G>A on the plus strand (C>T on the coding strand, the complement: KCNH2 is on the minus strand). VCF-style: chr7-150950980-G-A. GRCh37 (hg19) VCF-style: chr7-150648068-G-A.
Other names: c.2086C>T (LRG_288t1); c.1066C>T, p.Arg356Cys (NM_001204798.2, NM_172057.3); c.1798C>T, p.Arg600Cys (NM_001406753.1, NM_001406756.1); c.1909C>T, p.Arg637Cys (NM_001406755.1); c.1786C>T, p.Arg596Cys (NM_001406757.1); c.2086C>T, p.Arg696Cys (NM_172056.3); short protein forms R356C, R696C, R637C, R596C, R600C.
Identifiers: ClinVar variation 67360 (VCV000067360.9), dbSNP rs199472984, ClinGen allele CA006212.